The following is an entry in ClinVar:

NM_001035.3(RYR2):c.3005A>C (p.Asn1002Thr)

Gene: RYR2 (ryanodine receptor 2; plus strand). Cytogenetic location: 1q43.
Variant type: single nucleotide variant.
Coding change: c.3005A>C on transcript NM_001035.3 (MANE Select); coding-DNA position 3005, A replaced by C.
Protein change: p.Asn1002Thr; replaces asparagine 1002 with threonine.
Molecular consequence: missense variant.
Genome position (GRCh38, 1-based): chr1:237,548,529, A>C. VCF-style: chr1-237548529-A-C. GRCh37 (hg19) VCF-style: chr1-237711829-A-C.
Other names: c.3005A>C, p.Asn1002Thr (LRG_402t1); short protein forms N1002T.
Identifiers: ClinVar variation 570234 (VCV000570234.10), dbSNP rs1559008003, ClinGen allele CA345393629.

ClinVar aggregate classification (germline): Uncertain significance (1 of 4 stars; one submission).

Conditions:
Catecholaminergic polymorphic ventricular tachycardia 1. Also called: RYR2-Related Catecholaminergic Polymorphic Ventricular Tachycardia; VENTRICULAR TACHYCARDIA, CATECHOLAMINERGIC POLYMORPHIC, 1, WITH OR WITHOUT ATRIAL DYSFUNCTION AND/OR DILATED CARDIOMYOPATHY; VENTRICULAR TACHYCARDIA, STRESS-INDUCED POLYMORPHIC 1. Identifiers: Orphanet 3286, MedGen C1631597, MONDO:0011484, OMIM 604772.

Submission:

Labcorp Genetics (formerly Invitae), Labcorp
Classification: Uncertain significance for Catecholaminergic polymorphic ventricular tachycardia 1. Last evaluated: 2018-05-22. Review status: criteria provided, single submitter. Criteria: Invitae Variant Classification Sherloc (09022015). Collection method: clinical testing. Allele origin: germline.
Comment: This sequence change replaces asparagine with threonine at codon 1002 of the RYR2 protein (p.Asn1002Thr). The asparagine residue is highly conserved and there is a small physicochemical difference between asparagine and threonine. This variant is not present in population databases (ExAC no frequency). This variant has not been reported in the literature in individuals with RYR2-related disease. Algorithms developed to predict the effect of missense changes on protein structure and function (SIFT, PolyPhen-2, Align-GVGD) all suggest that this variant is likely to be disruptive, but these predictions have not been confirmed by published functional studies and their clinical significance is uncertain. In summary, the available evidence is currently insufficient to determine the role of this variant in disease. Therefore, it has been classified as a Variant of Uncertain Significance.